The following is an entry in ClinVar:

NM_003722.5(TP63):c.1284_1286delinsAAG (p.Gln429Arg)

Gene: TP63 (tumor protein p63; plus strand). Cytogenetic location: 3q28.
Variant type: Indel.
Coding change: c.1284_1286delinsAAG on transcript NM_003722.5 (MANE Select); coding-DNA positions 1284 to 1286, TCA replaced by AAG.
Protein change: p.Gln429Arg; replaces glutamine 429 with arginine.
Molecular consequence: missense variant.
Genome position (GRCh38, 1-based): chr3:189,872,930-189,872,932, TCA replaced by AAG. VCF-style: chr3-189872930-TCA-AAG. GRCh37 (hg19) VCF-style: chr3-189590719-TCA-AAG.
Other names: c.1284_1286delinsAAG, p.Gln429Arg (NM_001114978.2, NM_001114979.2, NM_001329144.2); c.1002_1004delinsAAG, p.Gln335Arg (NM_001114980.2, NM_001114981.2, NM_001114982.2 and 1 more transcripts); c.747_749delinsAAG, p.Gln250Arg (NM_001329146.2); c.1272_1274delinsAAG, p.Gln425Arg (NM_001329148.2); c.990_992delinsAAG, p.Gln331Arg (NM_001329149.2); c.735_737delinsAAG, p.Gln246Arg (NM_001329150.2); c.1278_1280delinsAAG, p.Gln427Arg (NM_001329964.2); short protein forms Q427R, Q331R, Q425R, Q429R, Q246R, Q335R, Q250R.
Identifiers: ClinVar variation 3692370 (VCV003692370.1).
Genomic context (GRCh38, chr3:189,872,930, plus strand): 5'-TGAGACTTATGAAATGCTGTTGAAGATCAAAGAGTCCCTGGAACTCATGCAGTACCTTCC[TCA>AAG]GCACACAATTGAAACGTACAGGCAACAGCAACAGCAGCAGCACCAGCACTTACTTCAGAA-3'
Protein context (NP_003713.3, residues 419-439): ESLELMQYLP[Gln429Arg]HTIETYRQQQ

ClinVar aggregate classification (germline): Uncertain significance (1 of 4 stars; one submission).

Conditions:
TP63-Related Spectrum Disorders.

Submission:

Labcorp Genetics (formerly Invitae), Labcorp
Classification: Uncertain significance. Last evaluated: 2024-02-16. Review status: criteria provided, single submitter. Criteria: Invitae Variant Classification Sherloc (09022015). Collection method: clinical testing. Allele origin: germline.
Comment: This sequence change replaces glutamine, which is neutral and polar, with arginine, which is basic and polar, at codon 429 of the TP63 protein (p.Gln429Arg). Information on the frequency of this variant in the gnomAD database is not available, as this variant may be reported differently in the database. This variant has not been reported in the literature in individuals affected with TP63-related conditions. Experimental studies and prediction algorithms are not available or were not evaluated, and the functional significance of this variant is currently unknown. In summary, the available evidence is currently insufficient to determine the role of this variant in disease. Therefore, it has been classified as a Variant of Uncertain Significance.